The following is an entry in ClinVar:

ClinVar aggregate classification (germline): Likely benign. Review status: criteria provided, multiple submitters, no conflicts (2 of 4 stars). 3 submissions from 3 submitters: Likely benign (2). 1 of the submissions does not count toward it. Last evaluated 2025-12-22.

Conditions:
ADD3-related disorder. Also called: ADD3-related condition.

Allele frequency attached by ClinVar (database versions not stated): gnomAD exomes 0.00007 and 0.00020; 1000 Genomes Project 30x 0.00016; 1000 Genomes Project 0.00020; ExAC 0.00021; gnomAD 0.00082 and 0.00091; TOPMed 0.00108; ESP Exome Variant Server 0.00115.

Submissions (3):

Labcorp Genetics (formerly Invitae), Labcorp
Classification: Likely benign. Last evaluated: 2025-12-22. Review status: criteria provided, single submitter. Criteria: Invitae Variant Classification Sherloc (09022015). Collection method: clinical testing. Allele origin: germline.

Breakthrough Genomics
Classification: Likely benign. Review status: criteria provided, single submitter. Criteria: ACMG Guidelines, 2015. Collection method: not provided. Allele origin: germline. Inheritance: Autosomal recessive inheritance. Affected: yes.

PreventionGenetics, part of Exact Sciences
Classification: Likely benign for ADD3-related condition. Last evaluated: 2019-03-19. Review status: no assertion criteria provided. Collection method: clinical testing. Allele origin: germline. Not counted in ClinVar's aggregate classification.
Comment: This variant is classified as likely benign based on ACMG/AMP sequence variant interpretation guidelines (Richards et al. 2015 PMID: 25741868, with internal and published modifications).

NM_016824.5(ADD3):c.1848C>T (p.Ser616=)

Gene: ADD3 (adducin 3; plus strand). Cytogenetic location: 10q25.2.
Variant type: single nucleotide variant.
Coding change: c.1848C>T on transcript NM_016824.5 (MANE Select); coding-DNA position 1848, C replaced by T.
Protein change: p.Ser616=; no amino-acid change (serine 616 retained).
Molecular consequence: synonymous variant.
Genome position (GRCh38, 1-based): chr10:110,133,345, C>T. VCF-style: chr10-110133345-C-T. GRCh37 (hg19) VCF-style: chr10-111893103-C-T.
Other names: c.1752C>T, p.Ser584= (NM_001121.4, NM_019903.5); c.1848C>T, p.Ser616= (NM_001320591.2, NM_001320592.2, NM_001320593.2); c.1614C>T, p.Ser538= (NM_001320594.2).
Identifiers: ClinVar variation 738730 (VCV000738730.13), dbSNP rs149170169, ClinGen allele CA5686764.